The following is an entry in ClinVar:

NM_032119.4(ADGRV1):c.14517+18A>G

Gene: ADGRV1 (adhesion G protein-coupled receptor V1; plus strand). Cytogenetic location: 5q14.3.
Variant type: single nucleotide variant.
Coding change: c.14517+18A>G on transcript NM_032119.4 (MANE Select); 18 bases into the intron after coding-DNA position 14517, A replaced by G.
Molecular consequence: intron variant.
Genome position (GRCh38, 1-based): chr5:90,791,364, A>G. VCF-style: chr5-90791364-A-G. GRCh37 (hg19) VCF-style: chr5-90087181-A-G.
Identifiers: ClinVar variation 137497 (VCV000137497.18), dbSNP rs75316546, ClinGen allele CA291104.

ClinVar aggregate classification (germline): Benign. Review status: criteria provided, multiple submitters, no conflicts (2 of 4 stars). 3 submissions from 3 submitters: Benign (3). Last evaluated 2026-01-28.

Allele frequency attached by ClinVar (database versions not stated): ExAC 0.00732; ESP Exome Variant Server 0.01023; gnomAD 0.01058 and 0.01129; TOPMed 0.01133; 1000 Genomes Project 0.01338; 1000 Genomes Project 30x 0.01546.
gnomAD v4.1: 3,083 of 1,510,864 alleles (0.2%); highest among the groups gnomAD compares: African/African-American, 3.7%; 60 homozygotes.

Submissions (3):

Labcorp Genetics (formerly Invitae), Labcorp
Classification: Benign. Last evaluated: 2026-01-28. Review status: criteria provided, single submitter. Criteria: Invitae Variant Classification Sherloc (09022015). Collection method: clinical testing. Allele origin: germline.

ARUP Laboratories, Molecular Genetics and Genomics, ARUP Laboratories
Classification: Benign. Last evaluated: 2020-04-17. Review status: criteria provided, single submitter. Criteria: ARUP Molecular Germline Variant Investigation Process. Collection method: clinical testing. Allele origin: germline.

GeneDx
Classification: Benign. Last evaluated: 2013-04-30. Review status: criteria provided, single submitter. Criteria: GeneDx Variant Classification (06012015). Collection method: clinical testing. Allele origin: germline. Affected: yes.
Comment: This variant is considered likely benign or benign based on one or more of the following criteria: it is a conservative change, it occurs at a poorly conserved position in the protein, it is predicted to be benign by multiple in silico algorithms, and/or has population frequency not consistent with disease.